The following is an entry in ClinVar:

NM_001128840.3(CACNA1D):c.1496C>T (p.Ser499Phe)

Gene: CACNA1D (calcium voltage-gated channel subunit alpha1 D; plus strand). Cytogenetic location: 3p21.1.
Variant type: single nucleotide variant.
Coding change: c.1496C>T on transcript NM_001128840.3 (MANE Select); coding-DNA position 1496, C replaced by T.
Protein change: p.Ser499Phe; replaces serine 499 with phenylalanine.
Molecular consequence: missense variant.
Genome position (GRCh38, 1-based): chr3:53,719,772, C>T. VCF-style: chr3-53719772-C-T. GRCh37 (hg19) VCF-style: chr3-53753799-C-T.
Other names: c.1556C>T, p.Ser519Phe (NM_000720.4); c.1496C>T, p.Ser499Phe (NM_001128839.3); short protein forms S499F, S519F.
Identifiers: ClinVar variation 4772052 (VCV004772052.1).

ClinVar aggregate classification (germline): Uncertain significance (1 of 4 stars; one submission).

gnomAD v4.1: 29 of 1,613,970 alleles (0.0018%); highest among the groups gnomAD compares: African/African-American, 0.004%; no homozygotes.

Submission:

Labcorp Genetics (formerly Invitae), Labcorp
Classification: Uncertain significance. Last evaluated: 2025-09-10. Review status: criteria provided, single submitter. Criteria: Invitae Variant Classification Sherloc (09022015). Collection method: clinical testing. Allele origin: germline.
Comment: This sequence change replaces serine, which is neutral and polar, with phenylalanine, which is neutral and non-polar, at codon 519 of the CACNA1D protein (p.Ser519Phe). This variant is present in population databases (rs144884666, gnomAD 0.002%). This variant has not been reported in the literature in individuals affected with CACNA1D-related conditions. Invitae Evidence Modeling of protein sequence and biophysical properties (such as structural, functional, and spatial information, amino acid conservation, physicochemical variation, residue mobility, and thermodynamic stability) indicates that this missense variant is not expected to disrupt CACNA1D protein function with a negative predictive value of 80%. In summary, the available evidence is currently insufficient to determine the role of this variant in disease. Therefore, it has been classified as a Variant of Uncertain Significance.